The following is an entry in ClinVar:

ClinVar aggregate classification (germline): Benign/Likely benign. Review status: criteria provided, multiple submitters, no conflicts (2 of 4 stars). 3 submissions from 3 submitters: Benign (1); Likely benign (2). Last evaluated 2025-03-27.

Conditions:
Hereditary cancer-predisposing syndrome. Also called: Hereditary Cancer Syndrome; Hereditary neoplastic syndrome; Neoplastic Syndromes, Hereditary; Tumor predisposition. Identifiers: Orphanet 140162, MedGen C0027672, MeSH D009386, MONDO:0015356.
Peutz-Jeghers syndrome (PJS). Also called: POLYPOSIS, HAMARTOMATOUS INTESTINAL; POLYPS-AND-SPOTS SYNDROME; Peutz-Jeghers polyposis; Periorificial lentiginosis syndrome. Identifiers: Orphanet 2869, MedGen C0031269, MeSH D010580, MONDO:0008280, OMIM 175200.

Submissions (3):

Myriad Genetics, Inc.
Classification: Benign for Peutz-Jeghers syndrome. Last evaluated: 2025-03-27. Review status: criteria provided, single submitter. Criteria: Myriad Autosomal Dominant, Autosomal Recessive and X-Linked Classification Criteria (2023). Collection method: clinical testing. Allele origin: unknown.
Comment: This variant is considered benign. This variant is a silent/synonymous amino acid change and it is not expected to impact splicing.

Labcorp Genetics (formerly Invitae), Labcorp
Classification: Likely benign for Peutz-Jeghers syndrome. Last evaluated: 2024-10-07. Review status: criteria provided, single submitter. Criteria: Invitae Variant Classification Sherloc (09022015). Collection method: clinical testing. Allele origin: germline.

Color Diagnostics, LLC DBA Color Health
Classification: Likely benign for Hereditary cancer-predisposing syndrome. Last evaluated: 2019-07-18. Review status: criteria provided, single submitter. Criteria: ACMG Guidelines, 2015. Collection method: clinical testing. Allele origin: germline.

NM_000455.5(STK11):c.771G>C (p.Gly257=)

Gene: STK11 (serine/threonine kinase 11; plus strand). Cytogenetic location: 19p13.3.
Variant type: single nucleotide variant.
Coding change: c.771G>C on transcript NM_000455.5 (MANE Select); coding-DNA position 771, G replaced by C.
Protein change: p.Gly257=; no amino-acid change (glycine 257 retained).
Molecular consequence: synonymous variant.
Genome position (GRCh38, 1-based): chr19:1,221,249, G>C. VCF-style: chr19-1221249-G-C. GRCh37 (hg19) VCF-style: chr19-1221248-G-C.
Identifiers: ClinVar variation 922538 (VCV000922538.5), dbSNP rs777998890, ClinGen allele CA504707093.